The following is an entry in ClinVar:

ClinVar aggregate classification (germline): Uncertain significance (1 of 4 stars; one submission).

Conditions:
Inborn genetic diseases. Identifiers: MedGen C0950123, MeSH D030342.
Juvenile nephropathic cystinosis. Also called: Later-Onset (Juvenile) Cystinosis; Intermediate Cystinosis; CYSTINOSIS, LATE-ONSET JUVENILE OR ADOLESCENT NEPHROPATHIC TYPE. Identifiers: Orphanet 213, Orphanet 411634, MedGen C0268626, MONDO:0009066, OMIM 219900.
Ocular cystinosis. Also called: Non-Nephropathic (Ocular) Cystinosis; Non-Nephropathic Cystinosis. Identifiers: Orphanet 213, Orphanet 411641, MedGen C2931013, MONDO:0009064, OMIM 219750.

Allele frequency attached by ClinVar (database versions not stated): ExAC 0.00001; gnomAD 0.00001; TOPMed 0.00001.

Submission:

Labcorp Genetics (formerly Invitae), Labcorp
Classification: Uncertain significance for Inborn genetic diseases; Ocular cystinosis; Juvenile nephropathic cystinosis. Last evaluated: 2021-08-24. Review status: criteria provided, single submitter. Criteria: Invitae Variant Classification Sherloc (09022015). Collection method: clinical testing. Allele origin: germline.
Comment: This sequence change replaces serine with arginine at codon 154 of the CTNS protein (p.Ser154Arg). The serine residue is highly conserved and there is a moderate physicochemical difference between serine and arginine. This variant is present in population databases (rs769486669, ExAC 0.01%). This variant has not been reported in the literature in individuals affected with CTNS-related conditions. Algorithms developed to predict the effect of missense changes on protein structure and function are either unavailable or do not agree on the potential impact of this missense change (SIFT: "Deleterious"; PolyPhen-2: "Probably Damaging"; Align-GVGD: "Class C0"). Algorithms developed to predict the effect of sequence changes on RNA splicing suggest that this variant may disrupt the consensus splice site. In summary, the available evidence is currently insufficient to determine the role of this variant in disease. Therefore, it has been classified as a Variant of Uncertain Significance.

NM_004937.3(CTNS):c.460A>C (p.Ser154Arg)

Genes: CTNS (cystinosin, lysosomal cystine transporter; plus strand), CTNS-AS1 (CTNS antisense RNA 1; minus strand). Cytogenetic location: 17p13.2.
Variant type: single nucleotide variant.
Coding change: c.460A>C on transcript NM_004937.3 (MANE Select); coding-DNA position 460, A replaced by C.
Protein change: p.Ser154Arg; replaces serine 154 with arginine.
Molecular consequence: missense variant.
Genome position (GRCh38, 1-based): chr17:3,655,351, A>C. VCF-style: chr17-3655351-A-C. GRCh37 (hg19) VCF-style: chr17-3558645-A-C.
Other names: c.460A>C, p.Ser154Arg (NM_001031681.3, NM_001374492.1); c.19A>C, p.Ser7Arg (NM_001374493.1, NM_001374494.1, NM_001374495.1 and 1 more transcripts); short protein forms S7R, S154R.
Identifiers: ClinVar variation 1981332 (VCV001981332.1), dbSNP rs769486669, ClinGen allele CA8291717.